The following is an entry in ClinVar:

NM_144670.6(A2ML1):c.1346C>T (p.Thr449Ile)

Gene: A2ML1 (alpha-2-macroglobulin like 1; plus strand). Cytogenetic location: 12p13.31.
Variant type: single nucleotide variant.
Coding change: c.1346C>T on transcript NM_144670.6 (MANE Select); coding-DNA position 1346, C replaced by T.
Protein change: p.Thr449Ile; replaces threonine 449 with isoleucine.
Molecular consequence: missense variant.
Genome position (GRCh38, 1-based): chr12:8,843,231, C>T. VCF-style: chr12-8843231-C-T. GRCh37 (hg19) VCF-style: chr12-8995827-C-T.
Other names: short protein forms T449I.
Identifiers: ClinVar variation 3530959 (VCV003530959.3).

ClinVar aggregate classification (germline): Uncertain significance. Review status: criteria provided, multiple submitters, no conflicts (2 of 4 stars). 2 submissions from 2 submitters: Uncertain significance (2). Last evaluated 2024-10-29.

Submissions (2):

Labcorp Genetics (formerly Invitae), Labcorp
Classification: Uncertain significance. Last evaluated: 2024-10-29. Review status: criteria provided, single submitter. Criteria: Invitae Variant Classification Sherloc (09022015). Collection method: clinical testing. Allele origin: germline.
Comment: This sequence change replaces threonine, which is neutral and polar, with isoleucine, which is neutral and non-polar, at codon 449 of the A2ML1 protein (p.Thr449Ile). This variant is not present in population databases (gnomAD no frequency). This variant has not been reported in the literature in individuals affected with A2ML1-related conditions. An algorithm developed to predict the effect of missense changes on protein structure and function (PolyPhen-2) suggests that this variant is likely to be disruptive. In summary, the available evidence is currently insufficient to determine the role of this variant in disease. Therefore, it has been classified as a Variant of Uncertain Significance.

Ambry Genetics
Classification: Uncertain significance. Last evaluated: 2024-09-30. Review status: criteria provided, single submitter. Criteria: Ambry Variant Classification Scheme 2023. Collection method: clinical testing. Allele origin: germline.
Comment: The p.T449I variant (also known as c.1346C>T), located in coding exon 12 of the A2ML1 gene, results from a C to T substitution at nucleotide position 1346. The threonine at codon 449 is replaced by isoleucine, an amino acid with similar properties. This amino acid position is conserved. In addition, this alteration is predicted to be tolerated by in silico analysis. Based on the available evidence, the clinical significance of this variant remains unclear.